The following is an entry in ClinVar:

ClinVar aggregate classification (germline): Uncertain significance. Review status: criteria provided, multiple submitters, no conflicts (2 of 4 stars). 2 submissions from 2 submitters: Uncertain significance (2). Last evaluated 2022-09-14.

Conditions:
Collagen 6-related myopathy. Identifiers: MedGen CN117976, MONDO:0100225.

Allele frequency attached by ClinVar (database versions not stated): gnomAD exomes 0.00001; ExAC 0.00001.
gnomAD v4.1: 12 of 1,614,200 alleles (0.00074%); highest among the groups gnomAD compares: Middle Eastern, 0.049%; no homozygotes.

Submissions (2):

GeneDx
Classification: Uncertain significance. Last evaluated: 2022-09-14. Review status: criteria provided, single submitter. Criteria: GeneDx Variant Classification Process June 2021. Collection method: clinical testing. Allele origin: germline. Affected: yes.
Comment: Not observed at significant frequency in large population cohorts (gnomAD); In silico analysis supports that this missense variant does not alter protein structure/function; Has not been previously published as pathogenic or benign to our knowledge

Illumina Laboratory Services, Illumina
Classification: Uncertain significance for Collagen VI-related myopathy. Last evaluated: 2018-04-06. Review status: criteria provided, single submitter. Criteria: ICSL Variant Classification Criteria 13 December 2019. Collection method: clinical testing. Allele origin: germline.

NM_004369.4(COL6A3):c.5092A>G (p.Thr1698Ala)

Gene: COL6A3 (collagen type VI alpha 3 chain; minus strand). Cytogenetic location: 2q37.3.
Variant type: single nucleotide variant.
Coding change: c.5092A>G on transcript NM_004369.4 (MANE Select); coding-DNA position 5092, A replaced by G.
Protein change: p.Thr1698Ala; replaces threonine 1698 with alanine.
Molecular consequence: missense variant.
Genome position (GRCh38, 1-based): chr2:237,367,095, T>C on the plus strand (A>G on the coding strand, the complement: COL6A3 is on the minus strand). VCF-style: chr2-237367095-T-C. GRCh37 (hg19) VCF-style: chr2-238275738-T-C.
Other names: c.3271A>G, p.Thr1091Ala (NM_057166.5); c.4474A>G, p.Thr1492Ala (NM_057167.4); short protein forms T1698A, T1492A, T1091A.
Identifiers: ClinVar variation 896329 (VCV000896329.5), dbSNP rs762789220, ClinGen allele CA2188745.
Genomic context (GRCh38, chr2:237,367,095, plus strand): 5'-TGGCGTGTCTTCCCCCTTTGTAGACCACTTTGTTGATGGCGTCAATAATCTGCCTCTTGG[T>C]AGAGAAGTCCTTCAGGAAGAATTCGTCAGTGGGGTCAGAGTTGTACTGGACAAGCCCCAC-3'
Protein context (NP_004360.2, residues 1688-1708): TDEFFLKDFS[Thr1698Ala]KRQIIDAINK